The following is an entry in ClinVar:

NM_001042492.3(NF1):c.360del (p.Leu121fs)

Gene: NF1 (neurofibromin 1; plus strand). Cytogenetic location: 17q11.2.
Variant type: Deletion.
Coding change: c.360del on transcript NM_001042492.3 (MANE Select); coding-DNA position 360, one base deleted (T; older notation c.360delT).
Protein change: p.Leu121fs; shifts the reading frame from leucine 121.
Molecular consequence: frameshift variant.
Genome position (GRCh38, 1-based): chr17:31,163,257, T deleted; the last of 4 consecutive T bases (chr17:31,163,254-31,163,257); deleting any one gives the same sequence. VCF-style (leftmost placement, unchanged base first): chr17-31163253-AT-A. GRCh37 (hg19) VCF-style: chr17-29490271-AT-A.
Other names: c.360delT, p.Leu121Phefs (NM_000267.4); c.360del, p.Leu121fs (NM_001128147.3); short protein forms L121fs.
Identifiers: ClinVar variation 1454481 (VCV001454481.6), dbSNP rs2143671676, ClinGen allele CA2573153568.

ClinVar aggregate classification (germline): Pathogenic (1 of 4 stars; one submission).

Conditions:
Neurofibromatosis, type 1 (NF1). Also called: Neurofibromatosis, type I; VON RECKLINGHAUSEN DISEASE; NEUROFIBROMATOSIS, TYPE I, SOMATIC; Peripheral type neurofibromatosis. Identifiers: Orphanet 636, MedGen C0027831, MONDO:0018975, OMIM 162200. Disease mechanism: loss of function.

Submission:

Labcorp Genetics (formerly Invitae), Labcorp
Classification: Pathogenic for Neurofibromatosis, type 1. Last evaluated: 2025-10-09. Review status: criteria provided, single submitter. Criteria: Invitae Variant Classification Sherloc (09022015). Collection method: clinical testing. Allele origin: germline.
Comment: This sequence change creates a premature translational stop signal (p.Leu121Phefs*44) in the NF1 gene. It is expected to result in an absent or disrupted protein product. Loss-of-function variants in NF1 are known to be pathogenic (PMID: 10712197, 23913538). This variant is not present in population databases (gnomAD no frequency). This variant has not been reported in the literature in individuals affected with NF1-related conditions. ClinVar contains an entry for this variant (Variation ID: 1454481). For these reasons, this variant has been classified as Pathogenic.

Literature cited by the submitters: PubMed 10712197; PubMed 23913538.